The following is an entry in ClinVar:

ClinVar aggregate classification (germline): Uncertain significance (1 of 4 stars; one submission).

Allele frequency attached by ClinVar (database versions not stated): gnomAD exomes below 0.00001.
gnomAD v4.1: 2 of 1,614,104 alleles (0.00012%); highest among the groups gnomAD compares: Non-Finnish European, 0.00017%; no homozygotes.

Submission:

Labcorp Genetics (formerly Invitae), Labcorp
Classification: Uncertain significance. Last evaluated: 2022-03-15. Review status: criteria provided, single submitter. Criteria: Invitae Variant Classification Sherloc (09022015). Collection method: clinical testing. Allele origin: germline.
Comment: This sequence change replaces asparagine, which is neutral and polar, with lysine, which is basic and polar, at codon 109 of the TRPM1 protein (p.Asn109Lys). This variant is present in population databases (no rsID available, gnomAD 0.007%). This variant has not been reported in the literature in individuals affected with TRPM1-related conditions. Algorithms developed to predict the effect of missense changes on protein structure and function (SIFT, PolyPhen-2, Align-GVGD) all suggest that this variant is likely to be disruptive. In summary, the available evidence is currently insufficient to determine the role of this variant in disease. Therefore, it has been classified as a Variant of Uncertain Significance.

NM_001252024.2(TRPM1):c.393C>G (p.Asn131Lys)

Gene: TRPM1 (transient receptor potential cation channel subfamily M member 1; minus strand). Cytogenetic location: 15q13.3.
Variant type: single nucleotide variant.
Coding change: c.393C>G on transcript NM_001252024.2 (MANE Select); coding-DNA position 393, C replaced by G.
Protein change: p.Asn131Lys; replaces asparagine 131 with lysine.
Molecular consequence: missense variant.
Genome position (GRCh38, 1-based): chr15:31,067,979, G>C on the plus strand (C>G on the coding strand, the complement: TRPM1 is on the minus strand). VCF-style: chr15-31067979-G-C. GRCh37 (hg19) VCF-style: chr15-31360182-G-C.
Other names: c.444C>G, p.Asn148Lys (NM_001252020.2); c.327C>G, p.Asn109Lys (NM_002420.6); short protein forms N109K, N131K, N148K.
Identifiers: ClinVar variation 1935559 (VCV001935559.2), dbSNP rs1386257022, ClinGen allele CA391534676.